The following continues an entry in ClinVar:

NM_014249.4(NR2E3):c.166G>A (p.Gly56Arg)

Gene: NR2E3. ClinVar aggregate classification (germline): Pathogenic/Likely pathogenic. Pathogenic (15); Likely pathogenic (1).

Submissions 16 to 19 of 19:

Juno Genomics, Hangzhou Juno Genomics, Inc
Classification: Pathogenic for ENHANCED S-CONE SYNDROME 1; Retinitis pigmentosa 37. Review status: criteria provided, single submitter. Criteria: ACMG Guidelines, 2015. Collection method: clinical testing. Allele origin: germline.
Comment: Absent from controls (or at extremely low frequency if recessive) in Genome Aggregation Database.;Well-established in vitro or in vivo functional studies supportive of a damaging effect on the gene or gene product.;Located in a mutational hot spot and/or critical and well-established functional domain without benign variation.;The prevalence of the variant in affected individuals is significantly increased compared to the prevalence in controls.;Co-segregation with disease in multiple affected family members.;Patient's phenotype or family history is highly specific for a disease with a single genetic etiology.

Clinical Genetics Laboratory, University Hospital Schleswig-Holstein
Classification: Pathogenic for Retinitis pigmentosa 37. Last evaluated: 2022-05-02. Review status: no assertion criteria provided. Collection method: clinical testing. Allele origin: germline. Affected: yes. Not counted in ClinVar's aggregate classification.

Department of Clinical Genetics, Copenhagen University Hospital, Rigshospitalet
Classification: Pathogenic for Retinitis pigmentosa. Last evaluated: 2018-04-01. Review status: no assertion criteria provided. Collection method: research. Allele origin: unknown. Affected: yes. Study: VeluxRD. Not counted in ClinVar's aggregate classification.

OMIM
Classification: Pathogenic for RETINITIS PIGMENTOSA 37. Last evaluated: 2007-07-01. Review status: no assertion criteria provided. Collection method: literature only. Allele origin: germline. Not counted in ClinVar's aggregate classification.

Literature cited by the submitters: PubMed 17564971 (cited by 6 submitters); PubMed 17982421 (cited by Ambry Genetics and Labcorp Genetics (formerly Invitae), Labcorp); PubMed 19006237 (cited by 4 submitters); PubMed 26910043 (cited by 4 submitters); PubMed 29940899 (cited by Ambry Genetics); PubMed 30718709 (cited by Ambry Genetics and Department of Clinical Genetics, Copenhagen University Hospital, Rigshospitalet); PubMed 31213501 (cited by Ambry Genetics and Institute of Human Genetics, Univ. Regensburg, Univ. Regensburg); PubMed 36729443 (cited by Ambry Genetics); PubMed 37217489 (cited by Ambry Genetics); PubMed 37628579 (cited by Ambry Genetics); PubMed 37734845 (cited by Ambry Genetics); PubMed 38453143 (cited by Ambry Genetics); PubMed 39676705 (cited by Ambry Genetics); PubMed 19823680 (cited by 3 submitters); PubMed 19898638 (cited by Institute of Human Genetics, Univ. Regensburg, Univ. Regensburg); PubMed 27013732 (cited by Institute of Human Genetics, Univ. Regensburg, Univ. Regensburg); PubMed 29034877 (cited by Institute of Human Genetics, Univ. Regensburg, Univ. Regensburg); PubMed 31054281 (cited by Institute of Human Genetics, Univ. Regensburg, Univ. Regensburg); PubMed 32531858 (cited by Institute of Human Genetics, Univ. Regensburg, Univ. Regensburg); PubMed 32037395 (cited by Institute of Human Genetics, Univ. Regensburg, Univ. Regensburg); PubMed 33576794 (cited by Institute of Human Genetics, Univ. Regensburg, Univ. Regensburg); PubMed 36460718 (cited by Institute of Human Genetics, Univ. Regensburg, Univ. Regensburg); PubMed 36819107 (cited by Institute of Human Genetics, Univ. Regensburg, Univ. Regensburg).